The following is an entry in ClinVar:

ClinVar aggregate classification (germline): Benign/Likely benign. Review status: criteria provided, multiple submitters, no conflicts (2 of 4 stars). 2 submissions from 2 submitters: Benign (1); Likely benign (1). Last evaluated 2024-04-11.

Conditions:
Familial adenomatous polyposis 1 (FAP1). Also called: FAMILIAL ADENOMATOUS POLYPOSIS 1, ATTENUATED; POLYPOSIS, ADENOMATOUS INTESTINAL. Identifiers: MedGen C2713442, MONDO:0021056, OMIM 175100. Disease mechanism: loss of function.

Submissions (2):

Myriad Genetics, Inc.
Classification: Benign for Familial adenomatous polyposis 1. Last evaluated: 2024-04-11. Review status: criteria provided, single submitter. Criteria: Myriad Autosomal Dominant, Autosomal Recessive and X-Linked Classification Criteria (2023). Collection method: clinical testing. Allele origin: unknown.
Comment: This variant is considered benign. This variant is a silent/synonymous amino acid change and it is not expected to impact splicing.

Labcorp Genetics (formerly Invitae), Labcorp
Classification: Likely benign for Familial adenomatous polyposis 1. Last evaluated: 2023-10-22. Review status: criteria provided, single submitter. Criteria: Invitae Variant Classification Sherloc (09022015). Collection method: clinical testing. Allele origin: germline.

NM_000038.6(APC):c.7980A>G (p.Arg2660=)

Gene: APC (APC regulator of Wnt signaling pathway; plus strand). Cytogenetic location: 5q22.2.
Variant type: single nucleotide variant.
Coding change: c.7980A>G on transcript NM_000038.6 (MANE Select); coding-DNA position 7980, A replaced by G.
Protein change: p.Arg2660=; no amino-acid change (arginine 2660 retained).
Molecular consequence: synonymous variant. On other transcripts: non-coding transcript variant (2).
Genome position (GRCh38, 1-based): chr5:112,843,574, A>G. VCF-style: chr5-112843574-A-G. GRCh37 (hg19) VCF-style: chr5-112179271-A-G.
Other names: c.7980A>G, p.Arg2660= (NM_001127510.3, NM_001354895.2, NM_001407450.1); c.7926A>G, p.Arg2642= (NM_001127511.3); c.8034A>G, p.Arg2678= (NM_001354896.2, NM_001407447.1, NM_001407448.1 and 1 more transcripts); c.8010A>G, p.Arg2670= (NM_001354897.2); c.7905A>G, p.Arg2635= (NM_001354898.2); c.7896A>G, p.Arg2632= (NM_001354899.2); c.7857A>G, p.Arg2619= (NM_001354900.2); c.7803A>G, p.Arg2601= (NM_001354901.2, NM_001407453.1); and 11 more.
Identifiers: ClinVar variation 2960271 (VCV002960271.4), dbSNP rs2149997334, ClinGen allele CA446210997.
Genomic context (GRCh38, chr5:112,843,574, plus strand): 5'-AAAGACTCTAATTTATCAAATGGCACCTGCTGTTTCTAAAACAGAGGATGTTTGGGTGAG[A>G]ATTGAGGACTGTCCCATTAACAATCCTAGATCTGGAAGATCTCCCACAGGTAATACTCCC-3'
Protein context (NP_000029.2, residues 2650-2670): AVSKTEDVWV[Arg2660=]IEDCPINNPR